The following is an entry in ClinVar:

ClinVar aggregate classification (germline): Uncertain significance (1 of 4 stars; one submission).

Conditions:
Cardiomyopathy (CMYO). Also called: Cardiomyopathies. Identifiers: Orphanet 167848, MedGen C0878544, MONDO:0004994, HP:0001638. Inheritance: Various modes of inheritance.

Submission:

Color Diagnostics, LLC DBA Color Health
Classification: Uncertain significance for Cardiomyopathy. Last evaluated: 2025-09-08. Review status: criteria provided, single submitter. Criteria: ACMG Guidelines, 2015. Collection method: clinical testing. Allele origin: germline.
Comment: This missense variant replaces glutamine with histidine at codon 271 of the TMEM43 protein. Computational prediction suggests that this variant may not impact protein structure and function. To our knowledge, functional studies have not been reported for this variant. This variant has not been reported in individuals affected with TMEM43-related disorders in the literature. This variant has not been identified in the general population by the Genome Aggregation Database (gnomAD). The available evidence is insufficient to determine the role of this variant in disease conclusively. Therefore, this variant is classified as a Variant of Uncertain Significance.

NM_024334.3(TMEM43):c.813G>C (p.Gln271His)

Gene: TMEM43 (transmembrane protein 43; plus strand). Cytogenetic location: 3p25.1.
Variant type: single nucleotide variant.
Coding change: c.813G>C on transcript NM_024334.3 (MANE Select); coding-DNA position 813, G replaced by C.
Protein change: p.Gln271His; replaces glutamine 271 with histidine.
Molecular consequence: missense variant.
Genome position (GRCh38, 1-based): chr3:14,135,839, G>C. VCF-style: chr3-14135839-G-C. GRCh37 (hg19) VCF-style: chr3-14177339-G-C.
Other names: c.816G>C, p.Gln272His (NM_001407274.1); c.810G>C, p.Gln270His (NM_001407275.1, NM_001407277.1); c.813G>C, p.Gln271His (NM_001407276.1); c.798G>C, p.Gln266His (NM_001407278.1); c.738G>C, p.Gln246His (NM_001407279.1); c.663G>C, p.Gln221His (NM_001407280.1); short protein forms Q221H, Q246H, Q266H, Q270H, Q271H, Q272H.
Identifiers: ClinVar variation 4756461 (VCV004756461.1).